The following is an entry in ClinVar:

ClinVar aggregate classification (germline): Pathogenic (1 of 4 stars; one submission).

Conditions:
Inborn genetic diseases. Identifiers: MedGen C0950123, MeSH D030342.

Submission:

Ambry Genetics
Classification: Pathogenic for Inborn genetic diseases. Last evaluated: 2026-04-16. Review status: criteria provided, single submitter. Criteria: Ambry Variant Classification Scheme 2023. Collection method: clinical testing. Allele origin: germline.
Comment: The c.2455C>T (p.Q819*) alteration, located in exon 5 (coding exon 5) of the TNRC6B gene, consists of a C to T substitution at nucleotide position 2455. This changes the amino acid from a glutamine (Q) to a stop codon at amino acid position 819. This variant is expected to result in loss of function by premature protein truncation or nonsense-mediated mRNA decay. This variant was not reported in population-based cohorts in the Genome Aggregation Database (gnomAD). Based on the available evidence, this alteration is classified as pathogenic.

NM_001162501.2(TNRC6B):c.2455C>T (p.Gln819Ter)

Gene: TNRC6B (trinucleotide repeat containing adaptor 6B; plus strand). Cytogenetic location: 22q13.1.
Variant type: single nucleotide variant.
Coding change: c.2455C>T on transcript NM_001162501.2 (MANE Select); coding-DNA position 2455, C replaced by T.
Protein change: p.Gln819Ter; replaces glutamine 819 with a stop codon.
Molecular consequence: nonsense. On other transcripts: intron variant (1).
Genome position (GRCh38, 1-based): chr22:40,266,685, C>T. VCF-style: chr22-40266685-C-T. GRCh37 (hg19) VCF-style: chr22-40662689-C-T.
Other names: c.2455C>T, p.Gln819Ter (NM_015088.3); c.566-3437C>T (NM_001024843.2); short protein forms Q819*.
Identifiers: ClinVar variation 4865796 (VCV004865796.1).